The following is an entry in ClinVar:

NM_001130021.3(ATP6V0A1):c.2247G>A (p.Ala749=)

Gene: ATP6V0A1 (ATPase H+ transporting V0 subunit a1; plus strand). Cytogenetic location: 17q21.2.
Variant type: single nucleotide variant.
Coding change: c.2247G>A on transcript NM_001130021.3 (MANE Select); coding-DNA position 2247, G replaced by A.
Protein change: p.Ala749=; no amino-acid change (alanine 749 retained).
Molecular consequence: synonymous variant.
Genome position (GRCh38, 1-based): chr17:42,513,977, G>A. VCF-style: chr17-42513977-G-A. GRCh37 (hg19) VCF-style: chr17-40665995-G-A.
Other names: c.2250G>A, p.Ala750= (NM_001130020.3, NM_001378541.1); c.2268G>A, p.Ala756= (NM_001378522.1, NM_001378539.1); c.2142G>A, p.Ala714= (NM_001378523.1); c.2445G>A, p.Ala815= (NM_001378530.1); c.2391G>A, p.Ala797= (NM_001378531.1); c.2373G>A, p.Ala791= (NM_001378532.1); c.2370G>A, p.Ala790= (NM_001378533.1); c.2343G>A, p.Ala781= (NM_001378534.1); and 15 more.
Identifiers: ClinVar variation 4533968 (VCV004533968.6).

ClinVar aggregate classification (germline): Likely benign (1 of 4 stars; one submission).

gnomAD v4.1: 73 of 1,613,032 alleles (0.0045%); highest among the groups gnomAD compares: East Asian, 0.06%; 1 homozygote.

Submission:

CeGaT Center for Human Genetics Tuebingen
Classification: Likely benign. Last evaluated: 2025-10-01. Review status: criteria provided, single submitter. Criteria: CeGaT Center For Human Genetics Tuebingen Variant Classification Criteria Version 2. Collection method: clinical testing. Allele origin: germline. Affected: yes. Observed: 1 variant allele.
Comment: ATP6V0A1: BP4, BP7